The following is an entry in ClinVar:

NM_000138.5(FBN1):c.6206del (p.Lys2069fs)

Gene: FBN1 (fibrillin 1; minus strand). Cytogenetic location: 15q21.1.
Variant type: Deletion.
Coding change: c.6206del on transcript NM_000138.5 (MANE Select); coding-DNA position 6206, one base deleted (A; older notation c.6206delA).
Protein change: p.Lys2069fs; shifts the reading frame from lysine 2069.
Molecular consequence: frameshift variant.
Genome position (GRCh38, 1-based): chr15:48,437,875, T deleted on the plus strand (A on the coding strand, the reverse complement: FBN1 is on the minus strand); the first of 3 consecutive T bases (chr15:48,437,875-48,437,877); deleting any one gives the same sequence. VCF-style (leftmost placement, unchanged base first): chr15-48437874-CT-C. GRCh37 (hg19) VCF-style: chr15-48730071-CT-C.
Other names: c.6206delA (NM_000138.4); short protein forms K2069fs.
Identifiers: ClinVar variation 372864 (VCV000372864.1), dbSNP rs1057518034, ClinGen allele CA16043006.

ClinVar aggregate classification (germline): Likely pathogenic (1 of 4 stars; one submission).

Submission:

GeneDx
Classification: Likely pathogenic. Last evaluated: 2016-01-08. Review status: criteria provided, single submitter. Criteria: GeneDx Variant Classification (06012015). Collection method: clinical testing. Allele origin: germline. Affected: yes.
Comment: Although the c.6206delA variant in the FBN1 gene has not been reported to our knowledge, this variant causes a shift in reading frame starting at codon Lysine 2069, changing it to a Serine, and creating a premature stop codon at position 19 of the new reading frame, denoted p.Lys2069SerfsX19. This likely pathogenic variant is expected to result in either an abnormal, truncated protein product or loss of protein from this allele through nonsense-mediated mRNA decay. Multiple other downstream frameshift variants in the FBN1 gene have been reported in HGMD in association with Marfan syndrome (Stenson et al., 2014). Furthermore, the c.6206delA variant was not observed in approximately 6,500 individuals of European and African American ancestry in the NHLBI Exome Sequencing Project, indicating it is not a common benign variant in these populations. In summary, c.6206delA in the FBN1 gene is considered to be likely pathogenic.